The following is an entry in ClinVar:

ClinVar aggregate classification (germline): Uncertain significance (1 of 4 stars; one submission).

Conditions:
DNMT1-related disorder. Also called: DNMT1-related condition. Identifiers: MedGen CN381527.

Submission:

3billion
Classification: Uncertain significance for DNMT1-related disorder. Last evaluated: 2024-06-13. Review status: criteria provided, single submitter. Criteria: ACMG Guidelines, 2015. Collection method: clinical testing. Allele origin: germline. Affected: yes.
Comment: The variant is not observed in the gnomAD v4.0.0 dataset. Predicted Consequence/Location: Inframe deletion located in a nonrepeat region: predicted to change the length of the protein and disrupt normal protein function. Therefore, this variant is classified as VUS according to the recommendation of ACMG/AMP guideline.

NM_001130823.3(DNMT1):c.984TGA[1] (p.Asp329del)

Gene: DNMT1 (DNA methyltransferase 1; minus strand). Cytogenetic location: 19p13.2.
Variant type: Microsatellite.
Coding change: c.984TGA[1] on transcript NM_001130823.3 (MANE Select); one copy of the 3-base unit TGA starting at c.984; the reference has two copies in a row; one copy, 3 bases deleted; also written c.987_989del.
Protein change: p.Asp329del; deletes aspartic acid 329.
Molecular consequence: inframe deletion.
Genome position (GRCh38, 1-based): chr19:10,162,686-10,162,688, TCA deleted on the plus strand (TGA on the coding strand, the reverse complement: DNMT1 is on the minus strand); deleting any 3 consecutive bases within chr19:10,162,686-10,162,691 gives the same sequence; the position shown is the placement nearest the transcript's 3' end. VCF-style (leftmost placement, unchanged base first): chr19-10162685-TTCA-T. GRCh37 (hg19) VCF-style: chr19-10273361-TTCA-T.
Other names: c.987_989del (NM_001130823.3); c.936TGA[1], p.Asp313del (NM_001318730.2, NM_001379.4); c.621TGA[1], p.Asp208del (NM_001318731.2); short protein forms D208del, D313del, D329del.
Identifiers: ClinVar variation 4292761 (VCV004292761.1).